The following is an entry in ClinVar:

NM_024675.4(PALB2):c.1179del (p.Lys393fs)

Gene: PALB2 (partner and localizer of BRCA2; minus strand). Cytogenetic location: 16p12.2.
Variant type: Deletion.
Coding change: c.1179del on transcript NM_024675.4 (MANE Select); coding-DNA position 1179, one base deleted (A; older notation c.1179delA).
Protein change: p.Lys393fs; shifts the reading frame from lysine 393.
Molecular consequence: frameshift variant.
Genome position (GRCh38, 1-based): chr16:23,635,367, T deleted on the plus strand (A on the coding strand, the reverse complement: PALB2 is on the minus strand); the first of 5 consecutive T bases (chr16:23,635,367-23,635,371); deleting any one gives the same sequence. VCF-style (leftmost placement, unchanged base first): chr16-23635366-GT-G. GRCh37 (hg19) VCF-style: chr16-23646687-GT-G.
Other names: c.1179delA (NM_024675.4); short protein forms K393fs.
Identifiers: ClinVar variation 629984 (VCV000629984.9), dbSNP rs1567221417, ClinGen allele CA913188792.

ClinVar aggregate classification (germline): Pathogenic/Likely pathogenic. Review status: criteria provided, multiple submitters, no conflicts (2 of 4 stars). 4 submissions from 4 submitters: Pathogenic (2); Likely pathogenic (1). 1 of the submissions does not count toward it. Last evaluated 2024-11-06.

Conditions:
Familial cancer of breast. Also called: BREAST CANCER, FAMILIAL; Hereditary breast cancer; hereditary breast carcinoma. Identifiers: Orphanet 227535, MedGen C0346153, MONDO:0016419, OMIM 114480. Disease mechanism: loss of function.
Colorectal cancer. Also called: Colorectal cancer, somatic; Malignant Colorectal Neoplasm. Identifiers: MedGen C0346629, MONDO:0005575, OMIM 114500.
Hereditary cancer-predisposing syndrome. Also called: Neoplastic Syndromes, Hereditary; Tumor predisposition; Hereditary neoplastic syndrome; Hereditary Cancer Syndrome. Identifiers: Orphanet 140162, MedGen C0027672, MeSH D009386, MONDO:0015356.

Submissions (4):

Myriad Genetics, Inc.
Classification: Pathogenic for Familial cancer of breast. Last evaluated: 2024-11-06. Review status: criteria provided, single submitter. Criteria: Myriad Autosomal Dominant, Autosomal Recessive and X-Linked Classification Criteria (2023). Collection method: clinical testing. Allele origin: unknown.
Comment: This variant is considered pathogenic. This variant creates a frameshift predicted to result in premature protein truncation.

Baylor Genetics
Classification: Likely pathogenic for Familial cancer of breast. Last evaluated: 2023-11-27. Review status: criteria provided, single submitter. Criteria: ACMG Guidelines, 2015. Collection method: clinical testing. Allele origin: unknown.

Color Diagnostics, LLC DBA Color Health
Classification: Pathogenic for Hereditary cancer-predisposing syndrome. Last evaluated: 2020-03-19. Review status: criteria provided, single submitter. Criteria: ACMG Guidelines, 2015. Collection method: clinical testing. Allele origin: germline.
Comment: This variant deletes 1 nucleotide in exon 4 of the PALB2 gene, creating a frameshift and premature translation stop signal. This variant is expected to result in an absent or non-functional protein product. To our knowledge, this variant has not been reported in individuals affected with hereditary cancer in the literature. This variant has not been identified in the general population by the Genome Aggregation Database (gnomAD). Loss of PALB2 function is a known mechanism of disease. Based on the available evidence, this variant is classified as Pathogenic.

Genomic Center, National Cancer Institute
Classification: Pathogenic for Colorectal cancer. Review status: no assertion criteria provided. Collection method: case-control. Allele origin: germline. Affected: yes. Not counted in ClinVar's aggregate classification.